The following is an entry in ClinVar:

NM_058179.4(PSAT1):c.118C>G (p.Leu40Val)

Gene: PSAT1 (phosphoserine aminotransferase 1; plus strand). Cytogenetic location: 9q21.2.
Variant type: single nucleotide variant.
Coding change: c.118C>G on transcript NM_058179.4 (MANE Select); coding-DNA position 118, C replaced by G.
Protein change: p.Leu40Val; replaces leucine 40 with valine.
Molecular consequence: missense variant.
Genome position (GRCh38, 1-based): chr9:78,300,659, C>G. VCF-style: chr9-78300659-C-G. GRCh37 (hg19) VCF-style: chr9-80915575-C-G.
Other names: c.118C>G, p.Leu40Val (NM_021154.5); short protein forms L40V.
Identifiers: ClinVar variation 1492981 (VCV001492981.6), dbSNP rs2118623721, ClinGen allele CA373871615.

ClinVar aggregate classification (germline): Uncertain significance (1 of 4 stars; one submission).

Conditions:
Neu-Laxova syndrome 2. Identifiers: Orphanet 2671, Orphanet 583602, MedGen C4015019, MONDO:0014466, OMIM 616038.

Submission:

Labcorp Genetics (formerly Invitae), Labcorp
Classification: Uncertain significance for Neu-Laxova syndrome 2. Last evaluated: 2022-09-01. Review status: criteria provided, single submitter. Criteria: Invitae Variant Classification Sherloc (09022015). Collection method: clinical testing. Allele origin: germline.
Comment: This sequence change replaces leucine, which is neutral and non-polar, with valine, which is neutral and non-polar, at codon 40 of the PSAT1 protein (p.Leu40Val). In summary, the available evidence is currently insufficient to determine the role of this variant in disease. Therefore, it has been classified as a Variant of Uncertain Significance. Algorithms developed to predict the effect of missense changes on protein structure and function are either unavailable or do not agree on the potential impact of this missense change (SIFT: "Tolerated"; PolyPhen-2: "Possibly Damaging"; Align-GVGD: "Class C0"). ClinVar contains an entry for this variant (Variation ID: 1492981). This variant has not been reported in the literature in individuals affected with PSAT1-related conditions. This variant is not present in population databases (gnomAD no frequency).